The following is an entry in ClinVar:

NM_001348323.3(TRIP12):c.2996A>T (p.Glu999Val)

Gene: TRIP12 (thyroid hormone receptor interactor 12; minus strand). Cytogenetic location: 2q36.3.
Variant type: single nucleotide variant.
Coding change: c.2996A>T on transcript NM_001348323.3 (MANE Select); coding-DNA position 2996, A replaced by T.
Protein change: p.Glu999Val; replaces glutamic acid 999 with valine.
Molecular consequence: missense variant.
Genome position (GRCh38, 1-based): chr2:229,803,573, T>A on the plus strand (A>T on the coding strand, the complement: TRIP12 is on the minus strand). VCF-style: chr2-229803573-T-A. GRCh37 (hg19) VCF-style: chr2-230668289-T-A.
Other names: c.2870A>T, p.Glu957Val (NM_001348318.2, NM_001284215.2, NM_001348316.2 and 1 more transcripts); c.2996A>T, p.Glu999Val (NM_001348319.1, NM_001348320.2, NM_001348322.1 and 4 more transcripts); c.2999A>T, p.Glu1000Val (NM_001348321.1, NM_001348328.1, NM_001348329.2 and 1 more transcripts); c.2789A>T, p.Glu930Val (NM_001348331.1); c.2909A>T, p.Glu970Val (NM_001348332.1); c.2918A>T, p.Glu973Val (NM_001348333.1); c.2771A>T, p.Glu924Val (NM_004238.3); c.2915A>T, p.Glu972Val (NM_001284214.2, NM_001348315.2); and 1 more; short protein forms E1000V, E654V, E924V, E930V, E957V, E970V, E972V, E973V.
Identifiers: ClinVar variation 1331598 (VCV001331598.4), dbSNP rs2154270375, ClinGen allele CA350910993.

ClinVar aggregate classification (germline): Likely pathogenic (1 of 4 stars; one submission).

Submission:

Greenwood Genetic Center Diagnostic Laboratories, Greenwood Genetic Center
Classification: Likely pathogenic. Last evaluated: 2021-01-06. Review status: criteria provided, single submitter. Criteria: ACMG Guidelines, 2015. Collection method: clinical testing. Allele origin: germline. Affected: yes.
Comment: PS2, PM2